The following is an entry in ClinVar:

ClinVar aggregate classification (germline): Uncertain significance (1 of 4 stars; one submission).

gnomAD v4.1: 18 of 1,613,216 alleles (0.0011%); highest among the groups gnomAD compares: South Asian, 0.0022%; no homozygotes.

Submission:

Mayo Clinic Laboratories, Mayo Clinic
Classification: Uncertain significance. Last evaluated: 2025-10-03. Review status: criteria provided, single submitter. Criteria: ACMG Guidelines, 2015. Collection method: clinical testing. Allele origin: germline. Observed: 1 variant allele.
Comment: BS2

NM_015215.4(CAMTA1):c.770C>T (p.Pro257Leu)

Gene: CAMTA1 (calmodulin binding transcription activator 1; plus strand). Cytogenetic location: 1p36.23.
Variant type: single nucleotide variant.
Coding change: c.770C>T on transcript NM_015215.4 (MANE Select); coding-DNA position 770, C replaced by T.
Protein change: p.Pro257Leu; replaces proline 257 with leucine.
Molecular consequence: missense variant.
Genome position (GRCh38, 1-based): chr1:7,661,831, C>T. VCF-style: chr1-7661831-C-T. GRCh37 (hg19) VCF-style: chr1-7721891-C-T.
Other names: p.Pro257Leu; c.680C>T, p.Pro227Leu (NM_001349608.2, NM_001349612.2); c.770C>T, p.Pro257Leu (NM_001349609.2, NM_001349610.2, NM_001410737.1); c.698C>T, p.Pro233Leu (NM_001410738.1); short protein forms P257L, P227L, P233L.
Identifiers: ClinVar variation 4542010 (VCV004542010.1).
Genomic context (GRCh38, chr1:7,661,831, plus strand): 5'-GCTTCTCGGTGGAACAGCTGGTGCAGCAGATCCTCGACAGCCACCAGACCAAGCCCCAGC[C>T]GCGGACCCACAACTGCCTCTGCACCGGCAGCCTGGGTGAGCCGGGGCTCCCGGGGCAGGC-3'
Protein context (NP_056030.1, residues 247-267): ILDSHQTKPQ[Pro257Leu]RTHNCLCTGS